The following is an entry in ClinVar:

NM_198253.3(TERT):c.2568G>T (p.Gly856=)

Gene: TERT (telomerase reverse transcriptase; minus strand). Cytogenetic location: 5p15.33.
Variant type: single nucleotide variant.
Coding change: c.2568G>T on transcript NM_198253.3 (MANE Select); coding-DNA position 2568, G replaced by T.
Protein change: p.Gly856=; no amino-acid change (glycine 856 retained).
Molecular consequence: synonymous variant. On other transcripts: non-coding transcript variant (2).
Genome position (GRCh38, 1-based): chr5:1,268,534, C>A on the plus strand (G>T on the coding strand, the complement: TERT is on the minus strand). VCF-style: chr5-1268534-C-A. GRCh37 (hg19) VCF-style: chr5-1268649-C-A.
Other names: c.2568G>T, p.Gly856= (NM_001193376.3, NM_003219.1).
Identifiers: ClinVar variation 1793183 (VCV001793183.7), dbSNP rs1748783254, ClinGen allele CA359074195.

ClinVar aggregate classification (germline): Conflicting classifications of pathogenicity. Review status: criteria provided, conflicting classifications (1 of 4 stars). 2 submissions from 2 submitters: Uncertain significance (1); Likely benign (1). Last evaluated 2023-10-08.

Conditions:
Dyskeratosis congenita. Identifiers: Orphanet 1775, MedGen C0265965, MONDO:0015780.
Idiopathic Pulmonary Fibrosis. Also called: Idiopathic fibrosing alveolitis, chronic form; idiopathic fibrosing alveolitis. Identifiers: Orphanet 2032, MedGen C1800706, MeSH D054990, MONDO:0800504.
Dyskeratosis congenita, autosomal dominant 2. Identifiers: MedGen C3151443, MONDO:0013521, OMIM 613989.

Allele frequency attached by ClinVar (database versions not stated): gnomAD exomes below 0.00001; TOPMed below 0.00001.
gnomAD v4.1: 1 of 1,613,538 alleles (0.000062%); highest among the groups gnomAD compares: Non-Finnish European, 0.000085%; no homozygotes.

Submissions (2):

Labcorp Genetics (formerly Invitae), Labcorp
Classification: Uncertain significance for Dyskeratosis congenita, autosomal dominant 2; Idiopathic Pulmonary Fibrosis. Last evaluated: 2023-10-08. Review status: criteria provided, single submitter. Criteria: Invitae Variant Classification Sherloc (09022015). Collection method: clinical testing. Allele origin: germline.
Comment: This sequence change affects codon 856 of the TERT mRNA. It is a 'silent' change, meaning that it does not change the encoded amino acid sequence of the TERT protein. This variant is not present in population databases (gnomAD no frequency). This variant has not been reported in the literature in individuals affected with TERT-related conditions. ClinVar contains an entry for this variant (Variation ID: 1793183). Algorithms developed to predict the effect of sequence changes on RNA splicing suggest that this variant may create or strengthen a splice site. In summary, the available evidence is currently insufficient to determine the role of this variant in disease. Therefore, it has been classified as a Variant of Uncertain Significance.

Ambry Genetics
Classification: Likely benign for Dyskeratosis congenita. Last evaluated: 2021-10-18. Review status: criteria provided, single submitter. Criteria: Ambry Variant Classification Scheme 2023. Collection method: clinical testing. Allele origin: germline.